The following is an entry in ClinVar:

NM_032043.3(BRIP1):c.1348G>T (p.Glu450Ter)

Gene: BRIP1 (BRCA1 interacting DNA helicase 1; minus strand). Cytogenetic location: 17q23.2.
Variant type: single nucleotide variant.
Coding change: c.1348G>T on transcript NM_032043.3 (MANE Select); coding-DNA position 1348, G replaced by T.
Protein change: p.Glu450Ter; replaces glutamic acid 450 with a stop codon.
Molecular consequence: nonsense.
Genome position (GRCh38, 1-based): chr17:61,793,722, C>A on the plus strand (G>T on the coding strand, the complement: BRIP1 is on the minus strand). VCF-style: chr17-61793722-C-A. GRCh37 (hg19) VCF-style: chr17-59871083-C-A.
Other names: short protein forms E450*.
Identifiers: ClinVar variation 924830 (VCV000924830.6), dbSNP rs2077857156, ClinGen allele CA400482326.
Genomic context (GRCh38, chr17:61,793,722, plus strand): 5'-CACTCCATATTTTACAAGCTGATTCATAATCTCTTTCTACAAGATATTCAGCGTTTGCTT[C>A]TAACCAACTGAAATAAAATAAAACAATTGTGTCAACCAGTATCATCCTTACACACACTAT-3'

ClinVar aggregate classification (germline): Pathogenic. Review status: criteria provided, multiple submitters, no conflicts (2 of 4 stars). 3 submissions from 3 submitters: Pathogenic (3). Last evaluated 2025-10-08.

Conditions:
Hereditary cancer-predisposing syndrome. Also called: Neoplastic Syndromes, Hereditary; Tumor predisposition; Hereditary Cancer Syndrome; Hereditary neoplastic syndrome. Identifiers: Orphanet 140162, MedGen C0027672, MeSH D009386, MONDO:0015356.
Familial ovarian cancer. Identifiers: MedGen C5679802, MONDO:0016248.

Submissions (3):

Myriad Genetics, Inc.
Classification: Pathogenic for Familial ovarian cancer. Last evaluated: 2025-10-08. Review status: criteria provided, single submitter. Criteria: Myriad Autosomal Dominant, Autosomal Recessive and X-Linked Classification Criteria (2023). Collection method: clinical testing. Allele origin: unknown.
Comment: This variant is considered pathogenic. This variant creates a termination codon and is predicted to result in premature protein truncation.

Color Diagnostics, LLC DBA Color Health
Classification: Pathogenic for Hereditary cancer-predisposing syndrome. Last evaluated: 2021-08-09. Review status: criteria provided, single submitter. Criteria: ACMG Guidelines, 2015. Collection method: clinical testing. Allele origin: germline.
Comment: This variant changes 1 nucleotide in exon 10 of the BRIP1 gene, creating a premature translation stop signal. This variant is expected to result in an absent or non-functional protein product. This variant has been reported in an individual affected with ovarian cancer (PMID: 26315354). This variant has not been identified in the general population by the Genome Aggregation Database (gnomAD). Loss of BRIP1 function is a known mechanism of disease. Based on the available evidence, this variant is classified as Pathogenic.

Ambry Genetics
Classification: Pathogenic for Hereditary cancer-predisposing syndrome. Last evaluated: 2020-01-21. Review status: criteria provided, single submitter. Criteria: Ambry Variant Classification Scheme 2023. Collection method: clinical testing. Allele origin: germline.
Comment: The p.E450* pathogenic mutation (also known as c.1348G>T), located in coding exon 9 of the BRIP1 gene, results from a G to T substitution at nucleotide position 1348. This changes the amino acid from a glutamic acid to a stop codon within coding exon 9. In one study, this alteration was observed in 1/3236 cases with invasive epithelial ovarian cancer and 0/3431 controls (Ramus SJ et al. J. Natl. Cancer Inst., 2015 Nov;107:). In addition to the clinical data presented in the literature, this alteration is expected to result in loss of function by premature protein truncation or nonsense-mediated mRNA decay. As such, this alteration is interpreted as a disease-causing mutation.

Literature cited by the submitters: PubMed 26315354 (cited by Ambry Genetics).